The following is an entry in ClinVar:

NM_000535.7(PMS2):c.51T>C (p.Pro17=)

Gene: PMS2 (PMS1 homolog 2, mismatch repair system component; minus strand). Cytogenetic location: 7p22.1.
Variant type: single nucleotide variant.
Coding change: c.51T>C on transcript NM_000535.7 (MANE Select); coding-DNA position 51, T replaced by C.
Protein change: p.Pro17=; no amino-acid change (proline 17 retained).
Molecular consequence: synonymous variant. On other transcripts: intron variant (3), 5 prime UTR variant (8), non-coding transcript variant (1).
Genome position (GRCh38, 1-based): chr7:6,006,004, A>G on the plus strand (T>C on the coding strand, the complement: PMS2 is on the minus strand). VCF-style: chr7-6006004-A-G. GRCh37 (hg19) VCF-style: chr7-6045635-A-G.
Other names: c.-52-1946T>C (NM_001322008.2); c.-242-1946T>C (NM_001322010.2, NM_001322004.2); c.-355T>C (NM_001322003.2, NM_001322005.2, NM_001322009.2 and 1 more transcripts); c.51T>C, p.Pro17= (NM_001322006.2, NM_001322014.2); c.-165T>C (NM_001322007.2); c.-834T>C (NM_001322011.2, NM_001322012.2); c.-434T>C (NM_001322015.2).
Identifiers: ClinVar variation 183773 (VCV000183773.4), dbSNP rs786201072, ClinGen allele CA012240.

ClinVar aggregate classification (germline): Benign/Likely benign. Review status: criteria provided, multiple submitters, no conflicts (2 of 4 stars). 2 submissions from 2 submitters: Benign (1); Likely benign (1). Last evaluated 2025-01-23.

Conditions:
Hereditary cancer-predisposing syndrome. Also called: Tumor predisposition; Hereditary Cancer Syndrome; Hereditary neoplastic syndrome; Neoplastic Syndromes, Hereditary. Identifiers: Orphanet 140162, MedGen C0027672, MeSH D009386, MONDO:0015356.
Lynch syndrome 4 (LYNCH4). Also called: Colorectal cancer, hereditary nonpolyposis, type 4; Hereditary non-polyposis colorectal cancer, type 4. Identifiers: Orphanet 144, MedGen C1838333, MONDO:0013699, OMIM 614337. Disease mechanism: loss of function.

Submissions (2):

Myriad Genetics, Inc.
Classification: Benign for Lynch syndrome 4. Last evaluated: 2025-01-23. Review status: criteria provided, single submitter. Criteria: Myriad Autosomal Dominant, Autosomal Recessive and X-Linked Classification Criteria (2023). Collection method: clinical testing. Allele origin: unknown.
Comment: This variant is considered benign. This variant is a silent/synonymous amino acid change and it is not expected to impact splicing.

Ambry Genetics
Classification: Likely benign for Hereditary cancer-predisposing syndrome. Last evaluated: 2012-08-08. Review status: criteria provided, single submitter. Criteria: Ambry Autosomal Dominant and X-Linked criteria (10/2015). Collection method: clinical testing. Allele origin: germline. Observed: 1 variant allele.